The following is an entry in ClinVar:

NM_006995.5(BTN2A2):c.574G>T (p.Ala192Ser)

Gene: BTN2A2 (butyrophilin subfamily 2 member A2; plus strand). Cytogenetic location: 6p22.2.
Variant type: single nucleotide variant.
Coding change: c.574G>T on transcript NM_006995.5 (MANE Select); coding-DNA position 574, G replaced by T.
Protein change: p.Ala192Ser; replaces alanine 192 with serine.
Molecular consequence: missense variant. On other transcripts: intron variant (2).
Genome position (GRCh38, 1-based): chr6:26,388,144, G>T. VCF-style: chr6-26388144-G-T. GRCh37 (hg19) VCF-style: chr6-26388372-G-T.
Other names: c.574G>T, p.Ala192Ser (NM_001197237.2, NM_001197238.2); c.226G>T, p.Ala76Ser (NM_181531.3); c.443-1861G>T (NM_001197240.2); c.95-1861G>T (NM_001197239.2); short protein forms A192S, A76S.
Identifiers: ClinVar variation 3051820 (VCV003051820.2), dbSNP rs144410497, ClinGen allele CA3672433.

ClinVar aggregate classification (germline): Likely benign (0 of 4 stars; one submission).

Conditions:
BTN2A2-related disorder. Also called: BTN2A2-related condition.

Allele frequency attached by ClinVar (database versions not stated): ESP Exome Variant Server 0.00115; 1000 Genomes Project 30x 0.00156; 1000 Genomes Project 0.00180.

Submission:

PreventionGenetics, part of Exact Sciences
Classification: Likely benign for BTN2A2-related condition. Last evaluated: 2022-02-01. Review status: no assertion criteria provided. Collection method: clinical testing. Allele origin: germline.
Comment: This variant is classified as likely benign based on ACMG/AMP sequence variant interpretation guidelines (Richards et al. 2015 PMID: 25741868, with internal and published modifications).